The following is an entry in ClinVar:

NM_001692.4(ATP6V1B1):c.1349del (p.Gln450fs)

Gene: ATP6V1B1 (ATPase H+ transporting V1 subunit B1; plus strand). Cytogenetic location: 2p13.3.
Variant type: Deletion.
Coding change: c.1349del on transcript NM_001692.4 (MANE Select); coding-DNA position 1349, one base deleted (A; older notation c.1349delA).
Protein change: p.Gln450fs; shifts the reading frame from glutamine 450.
Molecular consequence: frameshift variant.
Genome position (GRCh38, 1-based): chr2:70,964,836, A deleted. VCF-style (leftmost placement, unchanged base first): chr2-70964835-CA-C. GRCh37 (hg19) VCF-style: chr2-71191965-CA-C.
Other names: c.1349delA (NM_001692.3); short protein forms Q450fs.
Identifiers: ClinVar variation 1425954 (VCV001425954.11), dbSNP rs1558681020, ClinGen allele CA533654889.

ClinVar aggregate classification (germline): Pathogenic/Likely pathogenic. Review status: criteria provided, multiple submitters, no conflicts (2 of 4 stars). 3 submissions from 3 submitters: Pathogenic (1); Likely pathogenic (2). Last evaluated 2025-03-24.

Conditions:
Renal tubular acidosis with progressive nerve deafness. Also called: renal tubular acidosis, distal, 2, with progressive sensorineural hearing loss; Distal Renal Tubular Acidosis with Progressive Sensorineural Deafness; RENAL TUBULAR ACIDOSIS, AUTOSOMAL RECESSIVE, WITH PROGRESSIVE NERVE DEAFNESS; RTA WITH PROGRESSIVE NERVE DEAFNESS. Identifiers: MedGen C0403554, MONDO:0009968, OMIM 267300.

Allele frequency attached by ClinVar (database versions not stated): gnomAD exomes below 0.00001.

Submissions (3):

Natera, Inc.
Classification: Likely pathogenic for Renal tubular acidosis with progressive nerve deafness. Last evaluated: 2025-03-24. Review status: criteria provided, single submitter. Criteria: Natera Variant Classification Schema (03/2026). Collection method: clinical testing. Allele origin: germline.
Comment: The c.1349delA variant in ATP6V1B1 is a frameshift variant predicted to shift the reading frame beginning at codon 450 and leads to a stop codon 37 codons downstream. This variant is expected to result in nonsense mediated decay, truncation, or a dysfunctional protein product. This variant is rare in the general population with a frequency below the threshold expected for the associated phenotype(s). Given the available evidence, this variant is classified as Likely Pathogenic.

Labcorp Genetics (formerly Invitae), Labcorp
Classification: Pathogenic. Last evaluated: 2024-02-20. Review status: criteria provided, single submitter. Criteria: Invitae Variant Classification Sherloc (09022015). Collection method: clinical testing. Allele origin: germline.
Comment: This sequence change creates a premature translational stop signal (p.Gln450Argfs*37) in the ATP6V1B1 gene. While this is not anticipated to result in nonsense mediated decay, it is expected to disrupt the last 64 amino acid(s) of the ATP6V1B1 protein. This variant is present in population databases (no rsID available, gnomAD 0.0009%). This variant has not been reported in the literature in individuals affected with ATP6V1B1-related conditions. ClinVar contains an entry for this variant (Variation ID: 1425954). This variant disrupts a region of the ATP6V1B1 protein in which other variant(s) (p.Phe468Cysfs*20) have been determined to be pathogenic (PMID: 8651253, 18368028, 25164082). This suggests that this is a clinically significant region of the protein, and that variants that disrupt it are likely to be disease-causing. For these reasons, this variant has been classified as Pathogenic.

Fulgent Genetics
Classification: Likely pathogenic for Renal tubular acidosis with progressive nerve deafness. Last evaluated: 2024-02-06. Review status: criteria provided, single submitter. Criteria: ACMG Guidelines, 2015. Collection method: clinical testing. Allele origin: germline.

Literature cited by the submitters: PubMed 8651253 (cited by Labcorp Genetics (formerly Invitae), Labcorp); PubMed 18368028 (cited by Labcorp Genetics (formerly Invitae), Labcorp); PubMed 25164082 (cited by Labcorp Genetics (formerly Invitae), Labcorp).